The following is an entry in ClinVar:

ClinVar aggregate classification (germline): Uncertain significance. Review status: criteria provided, multiple submitters, no conflicts (2 of 4 stars). 2 submissions from 2 submitters: Uncertain significance (2). Last evaluated 2023-07-16.

Conditions:
Developmental delay, hypotonia, musculoskeletal defects, and behavioral abnormalities. Identifiers: MedGen C5562012, MONDO:0859202, OMIM 619595.
Floating-Harbor syndrome (FLHS). Also called: Short stature with delayed bone age, expressive language delay, a triangular face with a prominent nose and deep-set eyes; Pelletier-Leisti syndrome; SRCAP-Related Floating-Harbor Syndrome. Identifiers: Orphanet 2044, MedGen C0729582, MONDO:0007621, OMIM 136140.

Allele frequency attached by ClinVar (database versions not stated): TOPMed 0.00004; gnomAD 0.00001; gnomAD exomes 0.00001; ExAC 0.00002.
gnomAD v4.1: 20 of 1,614,046 alleles (0.0012%); highest among the groups gnomAD compares: Admixed American, 0.0033%; no homozygotes.

Submissions (2):

Labcorp Genetics (formerly Invitae), Labcorp
Classification: Uncertain significance. Last evaluated: 2023-07-16. Review status: criteria provided, single submitter. Criteria: Invitae Variant Classification Sherloc (09022015). Collection method: clinical testing. Allele origin: germline.
Comment: This sequence change replaces arginine, which is basic and polar, with histidine, which is basic and polar, at codon 1196 of the SRCAP protein (p.Arg1196His). This variant is present in population databases (rs754130604, gnomAD 0.006%). In summary, the available evidence is currently insufficient to determine the role of this variant in disease. Therefore, it has been classified as a Variant of Uncertain Significance. Advanced modeling of protein sequence and biophysical properties (such as structural, functional, and spatial information, amino acid conservation, physicochemical variation, residue mobility, and thermodynamic stability) performed at Invitae indicates that this missense variant is not expected to disrupt SRCAP protein function. ClinVar contains an entry for this variant (Variation ID: 1399614). This variant has not been reported in the literature in individuals affected with SRCAP-related conditions.

Fulgent Genetics
Classification: Uncertain significance for Floating-Harbor syndrome; Developmental delay, hypotonia, musculoskeletal defects, and behavioral abnormalities. Last evaluated: 2021-12-15. Review status: criteria provided, single submitter. Criteria: ACMG Guidelines, 2015. Collection method: clinical testing. Allele origin: unknown.

NM_006662.3(SRCAP):c.3587G>A (p.Arg1196His)

Gene: SRCAP (Snf2 related CREBBP activator protein; plus strand). Cytogenetic location: 16p11.2.
Variant type: single nucleotide variant.
Coding change: c.3587G>A on transcript NM_006662.3 (MANE Select); coding-DNA position 3587, G replaced by A.
Protein change: p.Arg1196His; replaces arginine 1196 with histidine.
Molecular consequence: missense variant.
Genome position (GRCh38, 1-based): chr16:30,722,167, G>A. VCF-style: chr16-30722167-G-A. GRCh37 (hg19) VCF-style: chr16-30733488-G-A.
Other names: short protein forms R1196H.
Identifiers: ClinVar variation 1399614 (VCV001399614.9), dbSNP rs754130604, ClinGen allele CA8011528.